The following is an entry in ClinVar:

NM_002691.4(POLD1):c.1480A>G (p.Ile494Val)

Gene: POLD1 (DNA polymerase delta 1, catalytic subunit; plus strand). Cytogenetic location: 19q13.33.
Variant type: single nucleotide variant.
Coding change: c.1480A>G on transcript NM_002691.4 (MANE Select); coding-DNA position 1480, A replaced by G.
Protein change: p.Ile494Val; replaces isoleucine 494 with valine.
Molecular consequence: missense variant. On other transcripts: non-coding transcript variant (1).
Genome position (GRCh38, 1-based): chr19:50,406,503, A>G. VCF-style: chr19-50406503-A-G. GRCh37 (hg19) VCF-style: chr19-50909760-A-G.
Other names: c.1480A>G, p.Ile494Val (NM_001256849.1, NM_001308632.1, NM_001438210.1 and 3 more transcripts); short protein forms I494V.
Identifiers: ClinVar variation 4668660 (VCV004668660.1).
Genomic context (GRCh38, chr19:50,406,503, plus strand): 5'-CTCAATGCCGTGAGCTTCCACTTCCTGGGCGAGCAGAAGGAGGACGTGCAGCACAGCATC[A>G]TCACCGACCTGCAGGTGCCTGCTGCCTCCCTGACCTCTCACCCCAACCTCTGACCTCCAC-3'
Protein context (NP_002682.2, residues 484-504): EQKEDVQHSI[Ile494Val]TDLQNGNDQT

ClinVar aggregate classification (germline): Uncertain significance (1 of 4 stars; one submission).

Conditions:
Hereditary cancer-predisposing syndrome. Also called: Neoplastic Syndromes, Hereditary; Tumor predisposition; Hereditary Cancer Syndrome; Hereditary neoplastic syndrome. Identifiers: Orphanet 140162, MedGen C0027672, MeSH D009386, MONDO:0015356.

Submission:

Ambry Genetics
Classification: Uncertain significance for Hereditary cancer-predisposing syndrome. Last evaluated: 2025-10-28. Review status: criteria provided, single submitter. Criteria: Ambry Variant Classification Scheme 2023. Collection method: clinical testing. Allele origin: germline.
Comment: The p.I494V variant (also known as c.1480A>G), located in coding exon 11 of the POLD1 gene, results from an A to G substitution at nucleotide position 1480. The isoleucine at codon 494 is replaced by valine, an amino acid with highly similar properties. This amino acid position is conserved. In addition, this alteration is predicted to be tolerated by in silico analysis. Based on the available evidence, the clinical significance of this variant remains unclear.